The following is an entry in ClinVar:

ClinVar aggregate classification (germline): Uncertain significance (1 of 4 stars; one submission).

Submission:

Labcorp Genetics (formerly Invitae), Labcorp
Classification: Uncertain significance. Last evaluated: 2023-01-30. Review status: criteria provided, single submitter. Criteria: Invitae Variant Classification Sherloc (09022015). Collection method: clinical testing. Allele origin: germline.
Comment: In summary, the available evidence is currently insufficient to determine the role of this variant in disease. Therefore, it has been classified as a Variant of Uncertain Significance. This sequence change replaces serine, which is neutral and polar, with isoleucine, which is neutral and non-polar, at codon 178 of the PPP2R5B protein (p.Ser178Ile). This variant is not present in population databases (gnomAD no frequency). This variant has not been reported in the literature in individuals affected with PPP2R5B-related conditions. Advanced modeling of protein sequence and biophysical properties (such as structural, functional, and spatial information, amino acid conservation, physicochemical variation, residue mobility, and thermodynamic stability) performed at Invitae indicates that this missense variant is expected to disrupt PPP2R5B protein function.

NM_006244.4(PPP2R5B):c.533G>T (p.Ser178Ile)

Genes: PPP2R5B (protein phosphatase 2 regulatory subunit B'beta; plus strand), LOC126861234 (BRD4-independent group 4 enhancer GRCh37_chr11:64694868-64696067; plus strand). Cytogenetic location: 11q13.1.
Variant type: single nucleotide variant.
Coding change: c.533G>T on transcript NM_006244.4 (MANE Select); coding-DNA position 533, G replaced by T.
Protein change: p.Ser178Ile; replaces serine 178 with isoleucine.
Molecular consequence: missense variant.
Genome position (GRCh38, 1-based): chr11:64,928,100, G>T. VCF-style: chr11-64928100-G-T. GRCh37 (hg19) VCF-style: chr11-64695572-G-T.
Other names: short protein forms S178I.
Identifiers: ClinVar variation 2832970 (VCV002832970.3), dbSNP rs781732494, ClinGen allele CA381199750.